The following is an entry in ClinVar:

NM_002335.4(LRP5):c.2968T>C (p.Phe990Leu)

Gene: LRP5 (LDL receptor related protein 5; plus strand). Cytogenetic location: 11q13.2.
Variant type: single nucleotide variant.
Coding change: c.2968T>C on transcript NM_002335.4 (MANE Select); coding-DNA position 2968, T replaced by C.
Protein change: p.Phe990Leu; replaces phenylalanine 990 with leucine.
Molecular consequence: missense variant.
Genome position (GRCh38, 1-based): chr11:68,416,468, T>C. VCF-style: chr11-68416468-T-C. GRCh37 (hg19) VCF-style: chr11-68183936-T-C.
Other names: c.1225T>C, p.Phe409Leu (NM_001291902.2); short protein forms F409L, F990L.
Identifiers: ClinVar variation 1351647 (VCV001351647.8), dbSNP rs1228633661, ClinGen allele CA381619926.

ClinVar aggregate classification (germline): Uncertain significance (1 of 4 stars; one submission).

Allele frequency attached by ClinVar (database versions not stated): gnomAD exomes below 0.00001; TOPMed 0.00001.
gnomAD v4.1: 2 of 1,614,054 alleles (0.00012%); highest among the groups gnomAD compares: African/African-American, 0.0027%; no homozygotes.

Submission:

Labcorp Genetics (formerly Invitae), Labcorp
Classification: Uncertain significance. Last evaluated: 2023-11-28. Review status: criteria provided, single submitter. Criteria: Invitae Variant Classification Sherloc (09022015). Collection method: clinical testing. Allele origin: germline.
Comment: This sequence change replaces phenylalanine, which is neutral and non-polar, with leucine, which is neutral and non-polar, at codon 990 of the LRP5 protein (p.Phe990Leu). This variant is present in population databases (no rsID available, gnomAD 0.007%). This variant has not been reported in the literature in individuals affected with LRP5-related conditions. ClinVar contains an entry for this variant (Variation ID: 1351647). Advanced modeling of protein sequence and biophysical properties (such as structural, functional, and spatial information, amino acid conservation, physicochemical variation, residue mobility, and thermodynamic stability) performed at Invitae indicates that this missense variant is not expected to disrupt LRP5 protein function with a negative predictive value of 95%. In summary, the available evidence is currently insufficient to determine the role of this variant in disease. Therefore, it has been classified as a Variant of Uncertain Significance.